The following is an entry in ClinVar:

NM_000052.7(ATP7A):c.2870T>G (p.Ile957Ser)

Gene: ATP7A (ATPase copper transporting alpha; plus strand). Cytogenetic location: Xq21.1.
Variant type: single nucleotide variant.
Coding change: c.2870T>G on transcript NM_000052.7 (MANE Select); coding-DNA position 2870, T replaced by G.
Protein change: p.Ile957Ser; replaces isoleucine 957 with serine.
Molecular consequence: missense variant.
Genome position (GRCh38, 1-based): chrX:78,021,033, T>G. VCF-style: chrX-78021033-T-G. GRCh37 (hg19) VCF-style: chrX-77276530-T-G.
Other names: c.2636T>G, p.Ile879Ser (NM_001282224.2); short protein forms I879S, I957S.
Identifiers: ClinVar variation 3753811 (VCV003753811.2).

ClinVar aggregate classification (germline): Uncertain significance (1 of 4 stars; one submission).

Conditions:
Menkes kinky-hair syndrome (MNK). Also called: Copper transport disease; Menkes Disease; Classic Menkes Disease. Identifiers: Orphanet 565, MedGen C0022716, MONDO:0010651, OMIM 309400.
X-linked distal spinal muscular atrophy type 3. Also called: ATP7A-Related Distal Motor Neuropathy; SPINAL MUSCULAR ATROPHY, DISTAL, X-LINKED RECESSIVE; NEURONOPATHY, DISTAL HEREDITARY MOTOR, X-LINKED; NEUROPATHY, DISTAL HEREDITARY MOTOR, X-LINKED. Identifiers: Orphanet 139557, MedGen C1845359, MONDO:0010338, OMIM 300489.
Cutis laxa, X-linked (OHS). Also called: EDS IX; Occipital horn syndrome. Identifiers: Orphanet 198, MedGen C0268353, MONDO:0010572, OMIM 304150.

Submission:

Labcorp Genetics (formerly Invitae), Labcorp
Classification: Uncertain significance for X-linked distal spinal muscular atrophy type 3; Cutis laxa, X-linked; Menkes kinky-hair syndrome. Last evaluated: 2025-04-01. Review status: criteria provided, single submitter. Criteria: Invitae Variant Classification Sherloc (09022015). Collection method: clinical testing. Allele origin: germline.
Comment: This sequence change replaces isoleucine, which is neutral and non-polar, with serine, which is neutral and polar, at codon 957 of the ATP7A protein (p.Ile957Ser). This variant is not present in population databases (gnomAD no frequency). This variant has not been reported in the literature in individuals affected with ATP7A-related conditions. Invitae Evidence Modeling of protein sequence and biophysical properties (such as structural, functional, and spatial information, amino acid conservation, physicochemical variation, residue mobility, and thermodynamic stability) indicates that this missense variant is not expected to disrupt ATP7A protein function with a negative predictive value of 95%. In summary, the available evidence is currently insufficient to determine the role of this variant in disease. Therefore, it has been classified as a Variant of Uncertain Significance.